The following is an entry in ClinVar:

ClinVar aggregate classification (germline): Conflicting classifications of pathogenicity. Review status: criteria provided, conflicting classifications (1 of 4 stars). 5 submissions from 5 submitters: Uncertain significance (3); Likely benign (2). Last evaluated 2026-01-12.

Conditions:
Cardiovascular phenotype. Identifiers: MedGen CN230736.
Myofibrillar myopathy 5. Also called: Filaminopathy (type); FILAMINOPATHY, AUTOSOMAL DOMINANT. Identifiers: Orphanet 171445, MedGen C1836050, MONDO:0012289, OMIM 609524.
Hypertrophic cardiomyopathy 26. Also called: Cardiomyopathy, familial hypertrophic, 26. Identifiers: Orphanet 75249, MedGen C4310749, MONDO:0014883, OMIM 617047.
Distal myopathy with posterior leg and anterior hand involvement. Also called: WILLIAMS DISTAL MYOPATHY. Identifiers: Orphanet 63273, MedGen C3279722, MONDO:0013550, OMIM 614065.

Allele frequency attached by ClinVar (database versions not stated): gnomAD exomes 0.00003 and 0.00007; ExAC 0.00011; gnomAD 0.00014; 1000 Genomes Project 30x 0.00016; ESP Exome Variant Server 0.00016; TOPMed 0.00016; 1000 Genomes Project 0.00020.
gnomAD v4.1: 64 of 1,613,774 alleles (0.004%); highest among the groups gnomAD compares: African/African-American, 0.04%; no homozygotes.

Submissions (5):

Labcorp Genetics (formerly Invitae), Labcorp
Classification: Likely benign for Distal myopathy with posterior leg and anterior hand involvement; Myofibrillar myopathy 5; Hypertrophic cardiomyopathy 26. Last evaluated: 2026-01-12. Review status: criteria provided, single submitter. Criteria: Invitae Variant Classification Sherloc (09022015). Collection method: clinical testing. Allele origin: germline.

Ambry Genetics
Classification: Uncertain significance for Cardiovascular phenotype. Last evaluated: 2025-08-26. Review status: criteria provided, single submitter. Criteria: Ambry Variant Classification Scheme 2023. Collection method: clinical testing. Allele origin: germline.

Blueprint Genetics
Classification: Likely benign. Last evaluated: 2024-06-26. Review status: criteria provided, single submitter. Criteria: ACMG Guidelines, 2015. Collection method: clinical testing. Allele origin: germline.

Fulgent Genetics
Classification: Uncertain significance for Myofibrillar myopathy 5; Distal myopathy with posterior leg and anterior hand involvement; Hypertrophic cardiomyopathy 26. Last evaluated: 2021-09-17. Review status: criteria provided, single submitter. Criteria: ACMG Guidelines, 2015. Collection method: clinical testing. Allele origin: unknown.

GeneDx
Classification: Uncertain significance. Last evaluated: 2019-05-13. Review status: criteria provided, single submitter. Criteria: GeneDx Variant Classification Process June 2021. Collection method: clinical testing. Allele origin: germline. Affected: yes.
Comment: Has not been previously published as pathogenic or benign to our knowledge; Observed in 0.0087% (24/277040) of global alleles in large population cohorts (Lek et al., 2016); Reported in ClinVar as a variant of uncertain significance (ClinVar Variant ID# 582215; Landrum et al., 2016); In silico analysis, which includes protein predictors and evolutionary conservation, supports that this variant does not alter protein structure/function

NM_001458.5(FLNC):c.5432G>A (p.Arg1811Gln)

Genes: FLNC (filamin C; plus strand), FLNC-AS1 (FLNC antisense RNA 1; minus strand). Cytogenetic location: 7q32.1.
Variant type: single nucleotide variant.
Coding change: c.5432G>A on transcript NM_001458.5 (MANE Select); coding-DNA position 5432, G replaced by A.
Protein change: p.Arg1811Gln; replaces arginine 1811 with glutamine.
Molecular consequence: missense variant.
Genome position (GRCh38, 1-based): chr7:128,850,836, G>A. VCF-style: chr7-128850836-G-A. GRCh37 (hg19) VCF-style: chr7-128490890-G-A.
Other names: c.5333G>A, p.Arg1778Gln (NM_001127487.2); short protein forms R1811Q, R1778Q.
Identifiers: ClinVar variation 582215 (VCV000582215.16), dbSNP rs369759751, ClinGen allele CA4475696.